The following is an entry in ClinVar:

ClinVar aggregate classification (germline): Likely pathogenic (1 of 4 stars; one submission).

Conditions:
Familial cancer of breast. Also called: Hereditary breast cancer; BREAST CANCER, FAMILIAL; hereditary breast carcinoma. Identifiers: Orphanet 227535, MedGen C0346153, MONDO:0016419, OMIM 114480. Disease mechanism: loss of function.

Submission:

Myriad Genetics, Inc.
Classification: Likely pathogenic for Familial cancer of breast. Last evaluated: 2023-06-27. Review status: criteria provided, single submitter. Criteria: Myriad Autosomal Dominant, Autosomal Recessive and X-Linked Classification Criteria (2023). Collection method: clinical testing. Allele origin: unknown.
Comment: This variant is considered likely pathogenic. This variant occurs within a consensus splice junction and is predicted to result in abnormal mRNA splicing of either an out-of-frame exon or an in-frame exon necessary for protein stability and/or normal function.

NM_007194.4(CHEK2):c.844_846+16delinsTATTA

Gene: CHEK2 (checkpoint kinase 2; minus strand). Cytogenetic location: 22q12.1.
Variant type: Indel.
Coding change: c.844_846+16delinsTATTA on transcript NM_007194.4 (MANE Select); coding-DNA position 844 through 16 bases into the intron after coding-DNA position 846, CATGTAAGTATTATTATAT replaced by TATTA.
Molecular consequence: splice donor variant.
Genome position (GRCh38, 1-based): chr22:28,709,990-28,710,008, ATATAATAATACTTACATG replaced by TAATA on the plus strand (CATGTAAGTATTATTATAT replaced by TATTA on the coding strand, the reverse complement: CHEK2 is on the minus strand). VCF-style: chr22-28709990-ATATAATAATACTTACATG-TAATA. GRCh37 (hg19) VCF-style: chr22-29105978-ATATAATAATACTTACATG-TAATA.
Other names: c.181_183+16delinsTATTA (NM_001437942.1, NM_001257387.3); c.643_645+16delinsTATTA (NM_001349956.3); c.844_846+16delinsTATTA (NM_145862.3); c.937_939+16delinsTATTA (NM_001438295.1, NM_001438293.1); c.973_975+16delinsTATTA (NM_001438294.1, NM_001005735.3).
Identifiers: ClinVar variation 2583476 (VCV002583476.2), dbSNP rs2517941575, ClinGen allele CA2582342747.